The following is an entry in ClinVar:

ClinVar aggregate classification (germline): Uncertain significance (1 of 4 stars; one submission).

Conditions:
Bardet-Biedl syndrome (BBS). Identifiers: Orphanet 110, MedGen C0752166, MONDO:0015229.

Submission:

Labcorp Genetics (formerly Invitae), Labcorp
Classification: Uncertain significance for Bardet-Biedl syndrome. Last evaluated: 2021-11-19. Review status: criteria provided, single submitter. Criteria: Invitae Variant Classification Sherloc (09022015). Collection method: clinical testing. Allele origin: germline.
Comment: This variant has not been reported in the literature in individuals affected with BBS2-related conditions. In summary, the available evidence is currently insufficient to determine the role of this variant in disease. Therefore, it has been classified as a Variant of Uncertain Significance. Algorithms developed to predict the effect of missense changes on protein structure and function are either unavailable or do not agree on the potential impact of this missense change (SIFT: "Deleterious"; PolyPhen-2: "Possibly Damaging"; Align-GVGD: "Class C15"). This variant is not present in population databases (gnomAD no frequency). This sequence change replaces leucine, which is neutral and non-polar, with phenylalanine, which is neutral and non-polar, at codon 221 of the BBS2 protein (p.Leu221Phe).

NM_031885.5(BBS2):c.661C>T (p.Leu221Phe)

Gene: BBS2 (Bardet-Biedl syndrome 2; minus strand). Cytogenetic location: 16q13.
Variant type: single nucleotide variant.
Coding change: c.661C>T on transcript NM_031885.5 (MANE Select); coding-DNA position 661, C replaced by T.
Protein change: p.Leu221Phe; replaces leucine 221 with phenylalanine.
Molecular consequence: missense variant. On other transcripts: non-coding transcript variant (5).
Genome position (GRCh38, 1-based): chr16:56,506,176, G>A on the plus strand (C>T on the coding strand, the complement: BBS2 is on the minus strand). VCF-style: chr16-56506176-G-A. GRCh37 (hg19) VCF-style: chr16-56540088-G-A.
Other names: c.661C>T, p.Leu221Phe (NM_001377456.1); short protein forms L221F.
Identifiers: ClinVar variation 1394082 (VCV001394082.6), dbSNP rs2144163050, ClinGen allele CA395983070.